The following is an entry in ClinVar:

ClinVar aggregate classification (germline): Conflicting classifications of pathogenicity. Review status: criteria provided, conflicting classifications (1 of 4 stars). 5 submissions from 5 submitters: Uncertain significance (2); Benign (1); Likely benign (1). 1 of the submissions does not count toward it. Last evaluated 2026-01-26.

Conditions:
NOTCH2-related disorder. Also called: NOTCH2-related condition.
Alagille syndrome due to a NOTCH2 point mutation. Also called: Alagille syndrome 2. Identifiers: Orphanet 261629, Orphanet 52, MedGen C1857761, MONDO:0012439, OMIM 610205.
Hajdu-Cheney syndrome (HJCYS). Also called: ACROOSTEOLYSIS WITH OSTEOPOROSIS AND CHANGES IN SKULL AND MANDIBLE; SERPENTINE FIBULA-POLYCYSTIC KIDNEY SYNDROME; Acroosteolysis dominant type. Identifiers: Orphanet 955, MedGen C0917715, MONDO:0007057, OMIM 102500.

Allele frequency attached by ClinVar (database versions not stated): gnomAD 0.00001; gnomAD exomes 0.00001 and 0.00006; TOPMed 0.00001; ExAC 0.00002.
gnomAD v4.1: 19 of 1,613,672 alleles (0.0012%); highest among the groups gnomAD compares: East Asian, 0.038%; no homozygotes.

Submissions (5):

Labcorp Genetics (formerly Invitae), Labcorp
Classification: Benign for Hajdu-Cheney syndrome. Last evaluated: 2026-01-26. Review status: criteria provided, single submitter. Criteria: Invitae Variant Classification Sherloc (09022015). Collection method: clinical testing. Allele origin: germline.

Fulgent Genetics
Classification: Uncertain significance for Hajdu-Cheney syndrome; Alagille syndrome due to a NOTCH2 point mutation. Last evaluated: 2023-12-29. Review status: criteria provided, single submitter. Criteria: ACMG Guidelines, 2015. Collection method: clinical testing. Allele origin: germline.

Blueprint Genetics
Classification: Likely benign. Last evaluated: 2021-04-14. Review status: criteria provided, single submitter. Criteria: ACMG Guidelines, 2015. Collection method: clinical testing. Allele origin: germline.

Eurofins Ntd Llc (ga)
Classification: Uncertain significance. Last evaluated: 2017-09-12. Review status: criteria provided, single submitter. Criteria: EGL Classification Definitions 2015. Collection method: clinical testing. Allele origin: germline. Observed: 1 variant allele, 1 heterozygote.

PreventionGenetics, part of Exact Sciences
Classification: Likely benign for NOTCH2-related condition. Last evaluated: 2021-03-29. Review status: no assertion criteria provided. Collection method: clinical testing. Allele origin: germline. Not counted in ClinVar's aggregate classification.
Comment: This variant is classified as likely benign based on ACMG/AMP sequence variant interpretation guidelines (Richards et al. 2015 PMID: 25741868, with internal and published modifications).

NM_024408.4(NOTCH2):c.822T>G (p.Val274=)

Gene: NOTCH2 (notch receptor 2; minus strand). Cytogenetic location: 1p12.
Variant type: single nucleotide variant.
Coding change: c.822T>G on transcript NM_024408.4 (MANE Select); coding-DNA position 822, T replaced by G.
Protein change: p.Val274=; no amino-acid change (valine 274 retained).
Molecular consequence: synonymous variant.
Genome position (GRCh38, 1-based): chr1:119,987,012, A>C on the plus strand (T>G on the coding strand, the complement: NOTCH2 is on the minus strand). VCF-style: chr1-119987012-A-C. GRCh37 (hg19) VCF-style: chr1-120529635-A-C.
Other names: c.822T>G, p.Val274= (NM_001200001.2); c.822T>G (NM_024408.3).
Identifiers: ClinVar variation 594049 (VCV000594049.13), dbSNP rs782642000, ClinGen allele CA1040667.